The following is an entry in ClinVar:

ClinVar aggregate classification (germline): Likely pathogenic (1 of 4 stars; one submission).

Conditions:
GLUT1 deficiency syndrome 1, autosomal recessive. Identifiers: MedGen C3149117.

Submission:

Labcorp Genetics (formerly Invitae), Labcorp
Classification: Likely pathogenic for GLUT1 deficiency syndrome 1, autosomal recessive. Last evaluated: 2022-01-15. Review status: criteria provided, single submitter. Criteria: Invitae Variant Classification Sherloc (09022015). Collection method: clinical testing. Allele origin: germline.
Comment: This sequence change replaces serine, which is neutral and polar, with alanine, which is neutral and non-polar, at codon 294 of the SLC2A1 protein (p.Ser294Ala). This variant is not present in population databases (gnomAD no frequency). This missense change has been observed in individual(s) with clinical features of SLC2A1-related conditions (Invitae). Advanced modeling of protein sequence and biophysical properties (such as structural, functional, and spatial information, amino acid conservation, physicochemical variation, residue mobility, and thermodynamic stability) performed at Invitae indicates that this missense variant is expected to disrupt SLC2A1 protein function. This variant disrupts the p.Ser294 amino acid residue in SLC2A1. Other variant(s) that disrupt this residue have been determined to be pathogenic (PMID: 21649651). This suggests that this residue is clinically significant, and that variants that disrupt this residue are likely to be disease-causing. In summary, the currently available evidence indicates that the variant is pathogenic, but additional data are needed to prove that conclusively. Therefore, this variant has been classified as Likely Pathogenic.

Literature cited by the submitters: PubMed 21649651.

NM_006516.4(SLC2A1):c.880T>G (p.Ser294Ala)

Gene: SLC2A1 (solute carrier family 2 member 1; minus strand). Cytogenetic location: 1p34.2.
Variant type: single nucleotide variant.
Coding change: c.880T>G on transcript NM_006516.4 (MANE Select); coding-DNA position 880, T replaced by G.
Protein change: p.Ser294Ala; replaces serine 294 with alanine.
Molecular consequence: missense variant.
Genome position (GRCh38, 1-based): chr1:42,929,302, A>C on the plus strand (T>G on the coding strand, the complement: SLC2A1 is on the minus strand). VCF-style: chr1-42929302-A-C. GRCh37 (hg19) VCF-style: chr1-43394973-A-C.
Other names: short protein forms S294A.
Identifiers: ClinVar variation 2083849 (VCV002083849.4), dbSNP rs2524990221, ClinGen allele CA339956926.
Genomic context (GRCh38, chr1:42,929,302, plus strand): 5'-CGGAGCCAATGGTGGCATACACAGGCTGCTGCACCCCCGCCTTCTCGAAGATGCTCGTGG[A>C]GTAATAGAAGACCTGCCAGACAAGAGAAACTGTTGGGGCCTACCTGGACATTGTGGCCCT-3'
Protein context (NP_006507.2, residues 284-304): LSGINAVFYY[Ser294Ala]TSIFEKAGVQ